The following is an entry in ClinVar:

ClinVar aggregate classification (germline): Conflicting classifications of pathogenicity. Review status: criteria provided, conflicting classifications (1 of 4 stars). 10 submissions from 10 submitters: Uncertain significance (1); Benign (1); Likely benign (7). 1 of the submissions does not count toward it. Last evaluated 2025-12-24.

Conditions:
Classic or attenuated familial adenomatous polyposis. Identifiers: MedGen CN372698, MONDO:0021057.
Hereditary cancer-predisposing syndrome. Also called: Tumor predisposition; Hereditary neoplastic syndrome; Hereditary Cancer Syndrome; Neoplastic Syndromes, Hereditary. Identifiers: Orphanet 140162, MedGen C0027672, MeSH D009386, MONDO:0015356.
Familial adenomatous polyposis 1 (FAP1). Also called: FAMILIAL ADENOMATOUS POLYPOSIS 1, ATTENUATED; POLYPOSIS, ADENOMATOUS INTESTINAL. Identifiers: MedGen C2713442, MONDO:0021056, OMIM 175100. Disease mechanism: loss of function.

Allele frequency attached by ClinVar (database versions not stated): TOPMed 0.00003.
gnomAD v4.1: 35 of 1,613,936 alleles (0.0022%); highest among the groups gnomAD compares: African/African-American, 0.02%; no homozygotes.

Submissions (10):

Labcorp Genetics (formerly Invitae), Labcorp
Classification: Likely benign for Familial adenomatous polyposis 1. Last evaluated: 2025-12-24. Review status: criteria provided, single submitter. Criteria: Invitae Variant Classification Sherloc (09022015). Collection method: clinical testing. Allele origin: germline.

Ambry Genetics
Classification: Likely benign for Hereditary cancer-predisposing syndrome. Last evaluated: 2025-12-08. Review status: criteria provided, single submitter. Criteria: Ambry Variant Classification Scheme 2023. Collection method: clinical testing. Allele origin: germline.

Myriad Genetics, Inc.
Classification: Benign for Familial adenomatous polyposis 1. Last evaluated: 2024-03-26. Review status: criteria provided, single submitter. Criteria: Myriad Autosomal Dominant, Autosomal Recessive and X-Linked Classification Criteria (2023). Collection method: clinical testing. Allele origin: unknown.
Comment: This variant is considered benign. This variant is a silent/synonymous amino acid change and it is not expected to impact splicing.

All of Us Research Program, National Institutes of Health
Classification: Likely benign for Classic or attenuated familial adenomatous polyposis. Last evaluated: 2023-11-20. Review status: criteria provided, single submitter. Criteria: ACMG Guidelines, 2015. Collection method: clinical testing. Allele origin: germline. Inheritance: Autosomal dominant inheritance. Observed: 3 variant alleles, 3 heterozygotes.
Comment: This study involves interpretation of variants in research participants for the purpose of population health screening. Participant phenotype was not available at the time of variant classification. Additional details can be found in publication PMID: 35346344, PMCID: PMC8962531

CeGaT Center for Human Genetics Tuebingen
Classification: Likely benign. Last evaluated: 2023-02-01. Review status: criteria provided, single submitter. Criteria: CeGaT Center For Human Genetics Tuebingen Variant Classification Criteria Version 2. Collection method: clinical testing. Allele origin: germline. Affected: yes. Observed: 1 variant allele.
Comment: APC: BP4, BP7

Women's Health and Genetics/Laboratory Corporation of America, LabCorp
Classification: Likely benign. Last evaluated: 2020-01-31. Review status: criteria provided, single submitter. Criteria: LabCorp Variant Classification Summary - May 2015. Collection method: clinical testing. Allele origin: germline.

GeneDx
Classification: Likely benign. Last evaluated: 2018-05-29. Review status: criteria provided, single submitter. Criteria: GeneDx Variant Classification Process June 2021. Collection method: clinical testing. Allele origin: germline. Affected: yes.

Eurofins Ntd Llc (ga)
Classification: Uncertain significance. Last evaluated: 2018-03-07. Review status: criteria provided, single submitter. Criteria: EGL ClinVar v180209 classification definitions. Collection method: clinical testing. Allele origin: germline. Observed: 1 variant allele, 1 heterozygote.

Color Diagnostics, LLC DBA Color Health
Classification: Likely benign for Hereditary cancer-predisposing syndrome. Last evaluated: 2017-05-09. Review status: criteria provided, single submitter. Criteria: ACMG Guidelines, 2015. Collection method: clinical testing. Allele origin: germline.

Department of Pathology and Laboratory Medicine, Sinai Health System
Classification: Likely benign. Review status: no assertion criteria provided. Collection method: clinical testing. Allele origin: unknown. Affected: yes. Observed: 1 variant allele. Study: The Canadian Open Genetics Repository (COGR). Not counted in ClinVar's aggregate classification.
Comment: The APC p.Ser1404Ser variant was not identified in the literature nor was it identified in the dbSNP, Genesight-COGR, Cosmic, MutDB, UMD-LSDB, Insight Colon Cancer Gene Variant Database, Zhejiang Colon Cancer Database, databases, but was identified in ClinVar (classified as likely benign by Invitae). The variant was not identified in the 1000 Genomes Project, the NHLBI GO Exome Sequencing Project or the Exome Aggregation Consortium (August 8th 2016) control databases. The p.Ser1404Ser variant is not expected to have clinical significance because it does not result in a change of amino acid and is not located in a known consensus splice site. In addition, in silico or computational prediction software programs (SpliceSiteFinder, MaxEntScan, NNSPLICE, GeneSplicer, HumanSpliceFinder) do not predict a difference in splicing. In summary, based on the above information the clinical significance of this variant cannot be determined with certainty at this time although we would lean towards a more benign role for this variant. This variant is classified as likely benign.

NM_000038.6(APC):c.4212C>T (p.Ser1404=)

Gene: APC (APC regulator of Wnt signaling pathway; plus strand). Cytogenetic location: 5q22.2.
Variant type: single nucleotide variant.
Coding change: c.4212C>T on transcript NM_000038.6 (MANE Select); coding-DNA position 4212, C replaced by T.
Protein change: p.Ser1404=; no amino-acid change (serine 1404 retained).
Molecular consequence: synonymous variant.
Genome position (GRCh38, 1-based): chr5:112,839,806, C>T. VCF-style: chr5-112839806-C-T. GRCh37 (hg19) VCF-style: chr5-112175503-C-T.
Other names: c.4212C>T, p.Ser1404= (NM_001127510.3, NM_001354895.2); c.4158C>T, p.Ser1386= (NM_001127511.3); c.4266C>T, p.Ser1422= (NM_001354896.2); c.4242C>T, p.Ser1414= (NM_001354897.2); c.4137C>T, p.Ser1379= (NM_001354898.2); c.4128C>T, p.Ser1376= (NM_001354899.2); c.4089C>T, p.Ser1363= (NM_001354900.2); c.4035C>T, p.Ser1345= (NM_001354901.2); and 5 more.
Identifiers: ClinVar variation 416765 (VCV000416765.51), dbSNP rs144655979, ClinGen allele CA16611648.